The following is an entry in ClinVar:

ClinVar aggregate classification (germline): Uncertain significance (1 of 4 stars; one submission).

Conditions:
Cardiovascular phenotype. Identifiers: MedGen CN230736.

Submission:

Ambry Genetics
Classification: Uncertain significance for Cardiovascular phenotype. Last evaluated: 2015-07-02. Review status: criteria provided, single submitter. Criteria: Ambry Variant Classification Scheme 2023. Collection method: clinical testing. Allele origin: germline.
Comment: The p.N3869D variant (also known as c.11605A>G), located in coding exon 86 of the RYR2 gene, results from an A to G substitution at nucleotide position 11605. The asparagine at codon 3869 is replaced by aspartic acid, an amino acid with highly similar properties. This variant was not reported in population based cohorts in the following databases: Database of Single Nucleotide Polymorphisms (dbSNP), NHLBI Exome Sequencing Project (ESP), Exome Aggregation Consortium (ExAC) and 1000 Genomes Project. In the ESP, this variant was not observed in 5891 samples (11782 alleles) with coverage at this position. This amino acid position is highly conserved in available vertebrate species. In addition, the in silico prediction for this alteration is inconclusive. Since supporting evidence for this variant is limited at this time, its clinical significance is unclear.

NM_001035.3(RYR2):c.11605A>G (p.Asn3869Asp)

Gene: RYR2 (ryanodine receptor 2; plus strand). Cytogenetic location: 1q43.
Variant type: single nucleotide variant.
Coding change: c.11605A>G on transcript NM_001035.3 (MANE Select); coding-DNA position 11605, A replaced by G.
Protein change: p.Asn3869Asp; replaces asparagine 3869 with aspartic acid.
Molecular consequence: missense variant.
Genome position (GRCh38, 1-based): chr1:237,772,059, A>G. VCF-style: chr1-237772059-A-G. GRCh37 (hg19) VCF-style: chr1-237935359-A-G.
Other names: c.11605A>G, p.Asn3869Asp (LRG_402t1); short protein forms N3869D.
Identifiers: ClinVar variation 264185 (VCV000264185.5), dbSNP rs886039074, ClinGen allele CA10587433.